The following is an entry in ClinVar:

ClinVar aggregate classification (germline): Uncertain significance (1 of 4 stars; one submission).

Conditions:
Episodic kinesigenic dyskinesia (EKD). Also called: Paroxysmal kinesigenic dyskinesia. Identifiers: Orphanet 98809, MedGen C1868682, MONDO:0044202.

Allele frequency attached by ClinVar (database versions not stated): gnomAD exomes below 0.00001.
gnomAD v4.1: 1 of 1,594,578 alleles (0.000063%); highest among the groups gnomAD compares: Middle Eastern, 0.017%; no homozygotes.

Submission:

Labcorp Genetics (formerly Invitae), Labcorp
Classification: Uncertain significance for Episodic kinesigenic dyskinesia. Last evaluated: 2023-11-02. Review status: criteria provided, single submitter. Criteria: Invitae Variant Classification Sherloc (09022015). Collection method: clinical testing. Allele origin: germline.
Comment: This sequence change replaces serine, which is neutral and polar, with cysteine, which is neutral and slightly polar, at codon 238 of the PRRT2 protein (p.Ser238Cys). This variant is not present in population databases (gnomAD no frequency). This variant has not been reported in the literature in individuals affected with PRRT2-related conditions. Advanced modeling of protein sequence and biophysical properties (such as structural, functional, and spatial information, amino acid conservation, physicochemical variation, residue mobility, and thermodynamic stability) performed at Invitae indicates that this missense variant is not expected to disrupt PRRT2 protein function with a negative predictive value of 95%. In summary, the available evidence is currently insufficient to determine the role of this variant in disease. Therefore, it has been classified as a Variant of Uncertain Significance.

NM_145239.3(PRRT2):c.713C>G (p.Ser238Cys)

Genes: MVP-DT (MVP divergent transcript; minus strand), PRRT2 (proline rich transmembrane protein 2; plus strand). Cytogenetic location: 16p11.2.
Variant type: single nucleotide variant.
Coding change: c.713C>G on transcript NM_145239.3 (MANE Select); coding-DNA position 713, C replaced by G.
Protein change: p.Ser238Cys; replaces serine 238 with cysteine.
Molecular consequence: missense variant.
Genome position (GRCh38, 1-based): chr16:29,813,767, C>G. VCF-style: chr16-29813767-C-G. GRCh37 (hg19) VCF-style: chr16-29825088-C-G.
Other names: c.713C>G, p.Ser238Cys (NM_001256442.2, NM_001256443.2); short protein forms S238C.
Identifiers: ClinVar variation 2792544 (VCV002792544.3), dbSNP rs2543335391, ClinGen allele CA395479366.